The following is an entry in ClinVar:

ClinVar aggregate classification (germline): Uncertain significance. Review status: criteria provided, multiple submitters, no conflicts (2 of 4 stars). 2 submissions from 2 submitters: Uncertain significance (2). Last evaluated 2022-08-15.

Allele frequency attached by ClinVar (database versions not stated): gnomAD exomes 0.00002; ExAC 0.00003; ESP Exome Variant Server 0.00008; gnomAD 0.00008 and 0.00009; TOPMed 0.00010.
gnomAD v4.1: 23 of 1,613,260 alleles (0.0014%); highest among the groups gnomAD compares: African/African-American, 0.028%; no homozygotes.

Submissions (2):

Labcorp Genetics (formerly Invitae), Labcorp
Classification: Uncertain significance. Last evaluated: 2022-08-15. Review status: criteria provided, single submitter. Criteria: Invitae Variant Classification Sherloc (09022015). Collection method: clinical testing. Allele origin: germline.
Comment: This sequence change replaces proline, which is neutral and non-polar, with alanine, which is neutral and non-polar, at codon 1193 of the TTC37 protein (p.Pro1193Ala). This variant is present in population databases (rs368654547, gnomAD 0.04%). This variant has not been reported in the literature in individuals affected with TTC37-related conditions. ClinVar contains an entry for this variant (Variation ID: 1491827). Algorithms developed to predict the effect of missense changes on protein structure and function (SIFT, PolyPhen-2, Align-GVGD) all suggest that this variant is likely to be tolerated. In summary, the available evidence is currently insufficient to determine the role of this variant in disease. Therefore, it has been classified as a Variant of Uncertain Significance.

Mayo Clinic Laboratories, Mayo Clinic
Classification: Uncertain significance. Last evaluated: 2022-05-25. Review status: criteria provided, single submitter. Criteria: ACMG Guidelines, 2015. Collection method: clinical testing. Allele origin: germline. Observed: 1 variant allele.
Comment: BP4

NM_014639.4(SKIC3):c.3577C>G (p.Pro1193Ala)

Gene: SKIC3 (SKI3 subunit of superkiller complex; minus strand). Cytogenetic location: 5q15.
Variant type: single nucleotide variant.
Coding change: c.3577C>G on transcript NM_014639.4 (MANE Select); coding-DNA position 3577, C replaced by G.
Protein change: p.Pro1193Ala; replaces proline 1193 with alanine.
Molecular consequence: missense variant.
Genome position (GRCh38, 1-based): chr5:95,497,475, G>C on the plus strand (C>G on the coding strand, the complement: SKIC3 is on the minus strand). VCF-style: chr5-95497475-G-C. GRCh37 (hg19) VCF-style: chr5-94833179-G-C.
Other names: p.Pro1193Ala; c.3577C>G (NM_014639.3); short protein forms P1193A.
Identifiers: ClinVar variation 1491827 (VCV001491827.6), dbSNP rs368654547, ClinGen allele CA3346680.
Genomic context (GRCh38, chr5:95,497,475, plus strand): 5'-CCTTTGCATTTCGTTGAGCATACTGTGCAACAACTCGAGACAACAGAGACCAAAGAGCAG[G>C]GTCACCAGGGTTGCTAAAGGAATCAAAAGTAGCAGGCTTAGGGACAAGTTACTTTAACCA-3'
Protein context (NP_055454.1, residues 1183-1203): SKAVHSNPGD[Pro1193Ala]ALWSLLSRVV